The following is an entry in ClinVar:

NM_003482.4(KMT2D):c.5275C>T (p.Arg1759Cys)

Gene: KMT2D (lysine methyltransferase 2D; minus strand). Cytogenetic location: 12q13.12.
Variant type: single nucleotide variant.
Coding change: c.5275C>T on transcript NM_003482.4 (MANE Select); coding-DNA position 5275, C replaced by T.
Protein change: p.Arg1759Cys; replaces arginine 1759 with cysteine.
Molecular consequence: missense variant.
Genome position (GRCh38, 1-based): chr12:49,043,912, G>A on the plus strand (C>T on the coding strand, the complement: KMT2D is on the minus strand). VCF-style: chr12-49043912-G-A. GRCh37 (hg19) VCF-style: chr12-49437695-G-A.
Other names: short protein forms R1759C.
Identifiers: ClinVar variation 1385739 (VCV001385739.8), dbSNP rs1565802308, ClinGen allele CA384634756.

ClinVar aggregate classification (germline): Uncertain significance (1 of 4 stars; one submission).

Conditions:
Kabuki syndrome. Also called: NIIKAWA-KUROKI SYNDROME; Kabuki make-up syndrome. Identifiers: Orphanet 2322, MedGen C0796004, MONDO:0016512.

Allele frequency attached by ClinVar (database versions not stated): gnomAD exomes below 0.00001.
gnomAD v4.1: 6 of 1,614,038 alleles (0.00037%); highest among the groups gnomAD compares: African/African-American, 0.0013%; no homozygotes.

Submission:

Labcorp Genetics (formerly Invitae), Labcorp
Classification: Uncertain significance for Kabuki syndrome. Last evaluated: 2021-03-10. Review status: criteria provided, single submitter. Criteria: Invitae Variant Classification Sherloc (09022015). Collection method: clinical testing. Allele origin: germline.
Comment: This sequence change replaces arginine with cysteine at codon 1759 of the KMT2D protein (p.Arg1759Cys). The arginine residue is moderately conserved and there is a large physicochemical difference between arginine and cysteine. This variant is not present in population databases (ExAC no frequency). This variant has not been reported in the literature in individuals with KMT2D-related conditions. Algorithms developed to predict the effect of missense changes on protein structure and function are either unavailable or do not agree on the potential impact of this missense change (SIFT: "Deleterious"; PolyPhen-2: "Probably Damaging"; Align-GVGD: "Class C0"). In summary, the available evidence is currently insufficient to determine the role of this variant in disease. Therefore, it has been classified as a Variant of Uncertain Significance.